The following is an entry in ClinVar:

NM_177438.3(DICER1):c.*1630G>A

Gene: DICER1 (dicer 1, ribonuclease III; minus strand). Cytogenetic location: 14q32.13.
Variant type: single nucleotide variant.
Coding change: c.*1630G>A on transcript NM_177438.3 (MANE Select); 1630 bases downstream of the stop codon, G replaced by A.
Molecular consequence: 3 prime UTR variant.
Genome position (GRCh38, 1-based): chr14:95,088,868, C>T on the plus strand (G>A on the coding strand, the complement: DICER1 is on the minus strand). VCF-style: chr14-95088868-C-T. GRCh37 (hg19) VCF-style: chr14-95555205-C-T.
Other names: c.*1746G>A (NM_001195573.1); c.*1630G>A (NM_001271282.3, NM_001291628.2, NM_030621.4).
Identifiers: ClinVar variation 315075 (VCV000315075.7), dbSNP rs1187652, ClinGen allele CA10635612.

ClinVar aggregate classification (germline): Benign. Review status: criteria provided, multiple submitters, no conflicts (2 of 4 stars). 2 submissions from 2 submitters: Benign (2). Last evaluated 2018-01-13.

Conditions:
DICER1-related tumor predisposition. Also called: DICER1-related pleuropulmonary blastoma cancer predisposition syndrome; DICER1 syndrome. Identifiers: Orphanet 284343, MedGen C3839822, MONDO:0100216.

Allele frequency attached by ClinVar (database versions not stated): TOPMed 0.98240; 1000 Genomes Project 0.99002; 1000 Genomes Project 30x 0.99094; gnomAD 0.97854 and 0.97929; gnomAD exomes 0.97883.
gnomAD v4.1: 228,671 of 233,544 alleles (98%); highest among the groups gnomAD compares: East Asian, 100%; 111,976 homozygotes.

Submissions (2):

Illumina Laboratory Services, Illumina
Classification: Benign for Pleuropulmonary blastoma. Last evaluated: 2018-01-13. Review status: criteria provided, single submitter. Criteria: ICSL Variant Classification Criteria 13 December 2019. Collection method: clinical testing. Allele origin: germline.
Comment: This variant was observed in the ICSL laboratory as part of a predisposition screen in an ostensibly healthy population. It had not been previously curated by ICSL or reported in the Human Gene Mutation Database (HGMD: prior to June 1st, 2018), and was therefore a candidate for classification through an automated scoring system. Utilizing variant allele frequency, disease prevalence and penetrance estimates, and inheritance mode, an automated score was calculated to assess if this variant is too frequent to cause the disease. Based on the score and internal cut-off values, a variant classified as benign is not then subjected to further curation. The score for this variant resulted in a classification of benign for this disease.

Breakthrough Genomics
Classification: Benign. Review status: criteria provided, single submitter. Criteria: ACMG Guidelines, 2015. Collection method: not provided. Allele origin: germline. Inheritance: Autosomal dominant inheritance. Affected: yes.